The following is an entry in ClinVar:

ClinVar aggregate classification (germline): Uncertain significance. Review status: criteria provided, multiple submitters, no conflicts (2 of 4 stars). 3 submissions from 3 submitters: Uncertain significance (3). Last evaluated 2024-02-19.

Conditions:
Gastrointestinal stromal tumor. Also called: Gastrointestinal stromal tumor, somatic; Gastrointestinal stroma tumor. Identifiers: Orphanet 44890, MedGen C0238198, MeSH D046152, MONDO:0011719, OMIM 606764, HP:0100723.
Hereditary cancer-predisposing syndrome. Also called: Neoplastic Syndromes, Hereditary; Hereditary Cancer Syndrome; Hereditary neoplastic syndrome; Tumor predisposition. Identifiers: Orphanet 140162, MedGen C0027672, MeSH D009386, MONDO:0015356.

Submissions (3):

Baylor Genetics
Classification: Uncertain significance for Gastrointestinal stromal tumor. Last evaluated: 2024-02-19. Review status: criteria provided, single submitter. Criteria: ACMG Guidelines, 2015. Collection method: clinical testing. Allele origin: unknown.

Ambry Genetics
Classification: Uncertain significance for Hereditary cancer-predisposing syndrome. Last evaluated: 2022-04-02. Review status: criteria provided, single submitter. Criteria: Ambry Variant Classification Scheme 2023. Collection method: clinical testing. Allele origin: germline.
Comment: The p.N567H variant (also known as c.1699A>C), located in coding exon 11 of the KIT gene, results from an A to C substitution at nucleotide position 1699. The asparagine at codon 567 is replaced by histidine, an amino acid with similar properties. This amino acid position is conserved. In addition, the in silico prediction for this alteration is inconclusive. Since supporting evidence is limited at this time, the clinical significance of this alteration remains unclear.

Labcorp Genetics (formerly Invitae), Labcorp
Classification: Uncertain significance for Gastrointestinal stromal tumor. Last evaluated: 2021-08-06. Review status: criteria provided, single submitter. Criteria: Invitae Variant Classification Sherloc (09022015). Collection method: clinical testing. Allele origin: germline.
Comment: In summary, the available evidence is currently insufficient to determine the role of this variant in disease. Therefore, it has been classified as a Variant of Uncertain Significance. Algorithms developed to predict the effect of missense changes on protein structure and function are either unavailable or do not agree on the potential impact of this missense change (SIFT: "Deleterious"; PolyPhen-2: "Probably Damaging"; Align-GVGD: "Class C15"). This variant has not been reported in the literature in individuals with KIT-related conditions. This variant is not present in population databases (ExAC no frequency). This sequence change replaces asparagine with histidine at codon 567 of the KIT protein (p.Asn567His). The asparagine residue is highly conserved and there is a small physicochemical difference between asparagine and histidine.

NM_000222.3(KIT):c.1699A>C (p.Asn567His)

Gene: KIT (KIT proto-oncogene, receptor tyrosine kinase; plus strand). Cytogenetic location: 4q12.
Variant type: single nucleotide variant.
Coding change: c.1699A>C on transcript NM_000222.3 (MANE Select); coding-DNA position 1699, A replaced by C.
Protein change: p.Asn567His; replaces asparagine 567 with histidine.
Molecular consequence: missense variant.
Genome position (GRCh38, 1-based): chr4:54,727,467, A>C. VCF-style: chr4-54727467-A-C. GRCh37 (hg19) VCF-style: chr4-55593633-A-C.
Other names: c.1687A>C, p.Asn563His (NM_001093772.2, NM_001385286.1); c.1702A>C, p.Asn568His (NM_001385284.1, NM_001385290.1); c.1699A>C, p.Asn567His (NM_001385285.1); c.1690A>C, p.Asn564His (NM_001385288.1, NM_001385292.1); short protein forms N563H, N564H, N567H, N568H.
Identifiers: ClinVar variation 1007323 (VCV001007323.12), dbSNP rs1722309959, ClinGen allele CA356907516.